The following is an entry in ClinVar:

NM_002478.5(MYOD1):c.915G>A (p.Pro305=)

Gene: MYOD1 (myogenic differentiation 1; plus strand). Cytogenetic location: 11p15.1.
Variant type: single nucleotide variant.
Coding change: c.915G>A on transcript NM_002478.5 (MANE Select); coding-DNA position 915, G replaced by A.
Protein change: p.Pro305=; no amino-acid change (proline 305 retained).
Molecular consequence: synonymous variant.
Genome position (GRCh38, 1-based): chr11:17,721,460, G>A. VCF-style: chr11-17721460-G-A. GRCh37 (hg19) VCF-style: chr11-17743007-G-A.
Identifiers: ClinVar variation 711460 (VCV000711460.29), dbSNP rs201495274, ClinGen allele CA5906606.
Genomic context (GRCh38, chr11:17,721,460, plus strand): 5'-TGCCGCCCCCAGCGAGGGAGAGAGCAGCGGCGACCCCACCCAGTCACCGGACGCCGCCCC[G>A]CAGTGCCCTGCGGGTGCGAACCCCAACCCGATATACCAGGTGCTCTGAGGGGATGGTGGC-3'
Protein context (NP_002469.2, residues 295-315): GDPTQSPDAA[Pro305=]QCPAGANPNP

ClinVar aggregate classification (germline): Likely benign. Review status: criteria provided, multiple submitters, no conflicts (2 of 4 stars). 3 submissions from 3 submitters: Likely benign (2). 1 of the submissions does not count toward it. Last evaluated 2026-02-01.

Conditions:
MYOD1-related disorder. Also called: MYOD1-related condition.

Allele frequency attached by ClinVar (database versions not stated): 1000 Genomes Project 30x 0.00047; 1000 Genomes Project 0.00060; gnomAD 0.00105; ESP Exome Variant Server 0.00126; TOPMed 0.00216.

Submissions (3):

CeGaT Center for Human Genetics Tuebingen
Classification: Likely benign. Last evaluated: 2026-02-01. Review status: criteria provided, single submitter. Criteria: CeGaT Center For Human Genetics Tuebingen Variant Classification Criteria Version 2. Collection method: clinical testing. Allele origin: germline. Affected: yes. Observed: 3 variant alleles.
Comment: MYOD1: BP4, BP7

Labcorp Genetics (formerly Invitae), Labcorp
Classification: Likely benign. Last evaluated: 2019-12-31. Review status: criteria provided, single submitter. Criteria: Invitae Variant Classification Sherloc (09022015). Collection method: clinical testing. Allele origin: germline.

PreventionGenetics, part of Exact Sciences
Classification: Likely benign for MYOD1-related condition. Last evaluated: 2019-07-19. Review status: no assertion criteria provided. Collection method: clinical testing. Allele origin: germline. Not counted in ClinVar's aggregate classification.
Comment: This variant is classified as likely benign based on ACMG/AMP sequence variant interpretation guidelines (Richards et al. 2015 PMID: 25741868, with internal and published modifications).